The following is an entry in ClinVar:

NM_004006.3(DMD):c.5114C>G (p.Ser1705Ter)

Gene: DMD (dystrophin; minus strand). Cytogenetic location: Xp21.1.
Variant type: single nucleotide variant.
Coding change: c.5114C>G on transcript NM_004006.3 (MANE Select); coding-DNA position 5114, C replaced by G.
Protein change: p.Ser1705Ter; replaces serine 1705 with a stop codon.
Molecular consequence: nonsense.
Genome position (GRCh38, 1-based): chrX:32,364,622, G>C on the plus strand (C>G on the coding strand, the complement: DMD is on the minus strand). VCF-style: chrX-32364622-G-C. GRCh37 (hg19) VCF-style: chrX-32382739-G-C.
Other names: c.5090C>G, p.Ser1697Ter (NM_000109.4); c.5102C>G, p.Ser1701Ter (NM_004009.3); c.4745C>G, p.Ser1582Ter (NM_004010.3); c.1091C>G, p.Ser364Ter (NM_004011.4); c.1082C>G, p.Ser361Ter (NM_004012.4); short protein forms S1582*, S1697*, S1701*, S1705*, S361*, S364*.
Identifiers: ClinVar variation 983658 (VCV000983658.5), dbSNP rs2097848034, ClinGen allele CA412671500.

ClinVar aggregate classification (germline): Pathogenic/Likely pathogenic. Review status: criteria provided, multiple submitters, no conflicts (2 of 4 stars). 2 submissions from 2 submitters: Pathogenic (1); Likely pathogenic (1). Last evaluated 2022-10-06.

Conditions:
DMD-related disorder. Also called: DMD-related condition.
Progressive muscular dystrophy. Identifiers: Orphanet 206644, MedGen C4551827, MONDO:0016106.

Submissions (2):

Blueprint Genetics
Classification: Pathogenic for DMD-related disorders. Last evaluated: 2022-10-06. Review status: criteria provided, single submitter. Criteria: ACMG Guidelines, 2015. Collection method: clinical testing. Allele origin: germline. Affected: yes. Observed: 1 variant allele.

Myriad Genetics, Inc.
Classification: Likely pathogenic for Progressive muscular dystrophy. Last evaluated: 2019-12-28. Review status: criteria provided, single submitter. Criteria: Myriad Autosomal Dominant, Autosomal Recessive and X-Linked Classification Criteria (2023). Collection method: clinical testing. Allele origin: unknown.
Comment: NM_004006.2(DMD):c.5114C>G(S1705*) is expected to be pathogenic in the context of dystrophinopathy (including Duchenne/Becker muscular dystrophy). This variant is predicted to lead to an abnormal or absent protein product due to the creation of a premature termination codon in DMD, a gene where loss-of-function variants are known to be pathogenic. Please note: this variant was assessed in the context of healthy population screening.